The following is an entry in ClinVar:

ClinVar aggregate classification (germline): Uncertain significance (1 of 4 stars; one submission).

Conditions:
BSN-related disorder. Also called: BSN-related condition.

gnomAD v4.1: 2 of 1,614,140 alleles (0.00012%); highest among the groups gnomAD compares: Non-Finnish European, 0.000085%; no homozygotes.

Submission:

PreventionGenetics, part of Exact Sciences
Classification: Uncertain significance for BSN-related condition. Last evaluated: 2025-02-26. Review status: criteria provided, single submitter. Criteria: ACMG Guidelines, 2015. Collection method: clinical testing. Allele origin: germline.
Comment: The BSN c.4291C>G variant is predicted to result in the amino acid substitution p.Gln1431Glu. To our knowledge, this variant has not been reported in the literature. This variant is reported in 0.0054% of alleles in individuals of East Asian descent in gnomAD. At this time, the clinical significance of this variant is uncertain due to the absence of conclusive functional and genetic evidence.

NM_003458.4(BSN):c.4291C>G (p.Gln1431Glu)

Gene: BSN (bassoon presynaptic cytomatrix protein; plus strand). Cytogenetic location: 3p21.31.
Variant type: single nucleotide variant.
Coding change: c.4291C>G on transcript NM_003458.4 (MANE Select); coding-DNA position 4291, C replaced by G.
Protein change: p.Gln1431Glu; replaces glutamine 1431 with glutamic acid.
Molecular consequence: missense variant.
Genome position (GRCh38, 1-based): chr3:49,653,847, C>G. VCF-style: chr3-49653847-C-G. GRCh37 (hg19) VCF-style: chr3-49691280-C-G.
Other names: short protein forms Q1431E.
Identifiers: ClinVar variation 4982029 (VCV004982029.1).